The following is an entry in ClinVar:

ClinVar aggregate classification (germline): Pathogenic (1 of 4 stars; one submission).

Submission:

Labcorp Genetics (formerly Invitae), Labcorp
Classification: Pathogenic. Last evaluated: 2020-10-11. Review status: criteria provided, single submitter. Criteria: Invitae Variant Classification Sherloc (09022015). Collection method: clinical testing. Allele origin: germline.
Comment: Disruption of this splice site has been observed in individual(s) with GNAS-related conditions (PMID: 20427508, 23281139). This variant is not present in population databases (ExAC no frequency). This sequence change affects a donor splice site in intron 1 of the GNAS gene. It is expected to disrupt RNA splicing and likely results in an absent or disrupted protein product. Algorithms developed to predict the effect of sequence changes on RNA splicing suggest that this variant may disrupt the consensus splice site, but this prediction has not been confirmed by published transcriptional studies. For these reasons, this variant has been classified as Pathogenic. Donor and acceptor splice site variants typically lead to a loss of protein function (PMID: 16199547), and loss-of-function variants in GNAS are known to be pathogenic (PMID: 11784876, 23281139, 23796510, 25802881).

Literature cited by the submitters: PubMed 20427508; PubMed 23281139; PubMed 16199547; PubMed 11784876; PubMed 23796510; PubMed 25802881.

NM_000516.7(GNAS):c.139+1G>A

Gene: GNAS (GNAS complex locus; plus strand). Cytogenetic location: 20q13.32.
Variant type: single nucleotide variant.
Coding change: c.139+1G>A on transcript NM_000516.7 (MANE Select); the canonical splice donor site of the intron after coding-DNA position 139, G replaced by A.
Molecular consequence: splice donor variant. On other transcripts: intron variant (8).
Genome position (GRCh38, 1-based): chr20:58,891,866, G>A. VCF-style: chr20-58891866-G-A. GRCh37 (hg19) VCF-style: chr20-57466921-G-A.
Other names: c.*43-3746G>A (NM_016592.5); c.44-3746G>A (NM_001410912.1); c.-38-3746G>A (NM_001309861.2); c.*1-3746G>A (NM_001077490.3); c.2069-3746G>A (NM_080425.4, NM_001410913.1); c.*159-3746G>A (NM_001309883.1); c.-39+2513G>A (NM_001309840.2); c.139+1G>A (NM_001077488.5, NM_080426.4, NM_001077489.4 and 1 more transcripts).
Identifiers: ClinVar variation 1071844 (VCV001071844.9), dbSNP rs2089393181, ClinGen allele CA409449104.